The following is an entry in ClinVar:

NM_001126108.2(SLC12A3):c.2925-10T>A

Genes: SLC12A3 (solute carrier family 12 member 3; plus strand), LOC126862361 (CDK7 strongly-dependent group 2 enhancer GRCh37_chr16:56946332-56947531; plus strand). Cytogenetic location: 16q13.
Variant type: single nucleotide variant.
Coding change: c.2925-10T>A on transcript NM_001126108.2 (MANE Select); 10 bases into the intron before coding-DNA position 2925, T replaced by A.
Molecular consequence: intron variant.
Genome position (GRCh38, 1-based): chr16:56,913,254, T>A. VCF-style: chr16-56913254-T-A. GRCh37 (hg19) VCF-style: chr16-56947166-T-A.
Other names: c.2952-10T>A (NM_000339.3); c.2949-10T>A (NM_001126107.2).
Identifiers: ClinVar variation 1421727 (VCV001421727.6), dbSNP rs576303786, ClinGen allele CA721955937.

ClinVar aggregate classification (germline): Uncertain significance (1 of 4 stars; one submission).

Allele frequency attached by ClinVar (database versions not stated): gnomAD 0.00001; TOPMed 0.00001.
gnomAD v4.1: 1 of 1,614,056 alleles (0.000062%); highest among the groups gnomAD compares: Non-Finnish European, 0.000085%; no homozygotes.

Submission:

Labcorp Genetics (formerly Invitae), Labcorp
Classification: Uncertain significance. Last evaluated: 2022-07-19. Review status: criteria provided, single submitter. Criteria: Invitae Variant Classification Sherloc (09022015). Collection method: clinical testing. Allele origin: germline.
Comment: In summary, the available evidence is currently insufficient to determine the role of this variant in disease. Therefore, it has been classified as a Variant of Uncertain Significance. Algorithms developed to predict the effect of sequence changes on RNA splicing suggest that this variant may disrupt the consensus splice site. ClinVar contains an entry for this variant (Variation ID: 1421727). This variant has not been reported in the literature in individuals affected with SLC12A3-related conditions. This variant is not present in population databases (gnomAD no frequency). This sequence change falls in intron 25 of the SLC12A3 gene. It does not directly change the encoded amino acid sequence of the SLC12A3 protein.